The following is an entry in ClinVar:

ClinVar aggregate classification (germline): Uncertain significance. Review status: criteria provided, multiple submitters, no conflicts (2 of 4 stars). 2 submissions from 2 submitters: Uncertain significance (2). Last evaluated 2025-08-04.

Conditions:
Hereditary cancer-predisposing syndrome. Also called: Tumor predisposition; Hereditary neoplastic syndrome; Neoplastic Syndromes, Hereditary; Hereditary Cancer Syndrome. Identifiers: Orphanet 140162, MedGen C0027672, MeSH D009386, MONDO:0015356.
Ataxia-telangiectasia syndrome (AT). Also called: Ataxia-telangiectasia, complementation group D; Cerebello-oculocutaneous telangiectasia; Immunodeficiency with ataxia telangiectasia; LOUIS-BAR SYNDROME; Ataxia-telangiectasia; AT, COMPLEMENTATION GROUP C. Identifiers: Orphanet 100, MedGen C0004135, MONDO:0008840, OMIM 208900.

Submissions (2):

Labcorp Genetics (formerly Invitae), Labcorp
Classification: Uncertain significance for Ataxia-telangiectasia syndrome. Last evaluated: 2025-08-04. Review status: criteria provided, single submitter. Criteria: Invitae Variant Classification Sherloc (09022015). Collection method: clinical testing. Allele origin: germline.
Comment: This sequence change replaces glycine, which is neutral and non-polar, with alanine, which is neutral and non-polar, at codon 228 of the ATM protein (p.Gly228Ala). This variant is not present in population databases (gnomAD no frequency). This variant has not been reported in the literature in individuals affected with ATM-related conditions. ClinVar contains an entry for this variant (Variation ID: 927273). Invitae Evidence Modeling of protein sequence and biophysical properties (such as structural, functional, and spatial information, amino acid conservation, physicochemical variation, residue mobility, and thermodynamic stability) indicates that this missense variant is not expected to disrupt ATM protein function with a negative predictive value of 95%. In summary, the available evidence is currently insufficient to determine the role of this variant in disease. Therefore, it has been classified as a Variant of Uncertain Significance.

Color Diagnostics, LLC DBA Color Health
Classification: Uncertain significance for Hereditary cancer-predisposing syndrome. Last evaluated: 2023-12-04. Review status: criteria provided, single submitter. Criteria: ACMG Guidelines, 2015. Collection method: clinical testing. Allele origin: germline.
Comment: This missense variant replaces glycine with alanine at codon 228 of the ATM protein. Computational prediction suggests that this variant may not impact protein structure and function (internally defined REVEL score threshold <= 0.5, PMID: 27666373). To our knowledge, functional studies have not been reported for this variant. This variant has not been reported in individuals affected with ATM-related disorders in the literature. This variant has not been identified in the general population by the Genome Aggregation Database (gnomAD). The available evidence is insufficient to determine the role of this variant in disease conclusively. Therefore, this variant is classified as a Variant of Uncertain Significance.

NM_000051.4(ATM):c.683G>C (p.Gly228Ala)

Gene: ATM (ATM serine/threonine kinase; plus strand). Cytogenetic location: 11q22.3.
Variant type: single nucleotide variant.
Coding change: c.683G>C on transcript NM_000051.4 (MANE Select); coding-DNA position 683, G replaced by C.
Protein change: p.Gly228Ala; replaces glycine 228 with alanine.
Molecular consequence: missense variant.
Genome position (GRCh38, 1-based): chr11:108,244,808, G>C. VCF-style: chr11-108244808-G-C. GRCh37 (hg19) VCF-style: chr11-108115535-G-C.
Other names: c.683G>C, p.Gly228Ala (NM_001351834.2); short protein forms G228A.
Identifiers: ClinVar variation 927273 (VCV000927273.6), dbSNP rs2079754821, ClinGen allele CA382529041.